The following is an entry in ClinVar:

ClinVar aggregate classification (germline): Pathogenic (1 of 4 stars; one submission).

Submission:

GeneDx
Classification: Pathogenic. Last evaluated: 2016-01-25. Review status: criteria provided, single submitter. Criteria: GeneDx Variant Classification (06012015). Collection method: clinical testing. Allele origin: germline. Affected: yes.
Comment: The c.116dupT pathogenic variant in the RPL11 gene causes a frameshift starting with codon Leucine, changes this amino acid to a Valine residue and creates a premature Stop codon at position 15 of the new reading frame, denoted p.Leu40ValfsX15. This pathogenic variant is predicted to cause loss of normal protein function either through protein truncation or nonsense-mediated mRNA decay. Additionally, the variant was not observed in approximately 6,500 individuals of European and African American ancestry in the NHLBI Exome Sequencing Project, indicating it is not a common benign variant in these populations. Although this variant has not been previously reported to our knowledge, we consider it to be pathogenic.

NM_000975.5(RPL11):c.116dup (p.Leu40fs)

Gene: RPL11 (ribosomal protein L11; plus strand). Cytogenetic location: 1p36.11.
Variant type: Duplication.
Coding change: c.116dup on transcript NM_000975.5 (MANE Select); coding-DNA position 116, one base duplicated (T; older notation c.116dupT).
Protein change: p.Leu40fs; shifts the reading frame from leucine 40.
Molecular consequence: frameshift variant.
Genome position (GRCh38, 1-based): chr1:23,692,718, T duplicated. VCF-style (leftmost placement, unchanged base first): chr1-23692717-G-GT. GRCh37 (hg19) VCF-style: chr1-24019207-G-GT.
Other names: c.113dup, p.Leu39fs (NM_001199802.1); c.116dup, p.Leu40fs (LRG_1140t1); short protein forms L40fs, L39fs.
Identifiers: ClinVar variation 280297 (VCV000280297.2), dbSNP rs886041528, ClinGen allele CA10602760.
Genomic context (GRCh38, chr1:23,692,717, plus strand): 5'-AAACTCTGTCTCAACATCTGTGTTGGGGAGAGTGGAGACAGACTGACGCGAGCAGCCAAG[G>GT]TGTTGGAGCAGCTCACAGGGCAGACCCCTGTGTTTTCCAAAGGTGAGTAGTCACAAGGAC-3'